The following is an entry in ClinVar:

ClinVar aggregate classification (germline): Uncertain significance. Review status: criteria provided, multiple submitters, no conflicts (2 of 4 stars). 11 submissions from 10 submitters: Uncertain significance (7). 4 of the submissions do not count toward it. Last evaluated 2026-04-02.

Conditions:
Cardiovascular phenotype. Identifiers: MedGen CN230736.
Wolff-Parkinson-White pattern. Also called: WPW SYNDROME; Auriculoventricular accessory pathway syndrome; False bundle branch block syndrome; Anomalous ventricular excitation syndrome. Identifiers: MedGen C0043202, MONDO:0008685, OMIM 194200, HP:0001716.
Catecholaminergic polymorphic ventricular tachycardia (CVPT). Also called: Catecholamine-induced polymorphic ventricular tachycardia. Identifiers: Orphanet 3286, MedGen C5574922, MONDO:0017990.
Catecholaminergic polymorphic ventricular tachycardia 1. Also called: VENTRICULAR TACHYCARDIA, STRESS-INDUCED POLYMORPHIC 1; VENTRICULAR TACHYCARDIA, CATECHOLAMINERGIC POLYMORPHIC, 1, WITH OR WITHOUT ATRIAL DYSFUNCTION AND/OR DILATED CARDIOMYOPATHY; RYR2-Related Catecholaminergic Polymorphic Ventricular Tachycardia. Identifiers: Orphanet 3286, MedGen C1631597, MONDO:0011484, OMIM 604772.
Cardiomyopathy (CMYO). Also called: Cardiomyopathies. Identifiers: Orphanet 167848, MedGen C0878544, MONDO:0004994, HP:0001638. Inheritance: Various modes of inheritance.
Arrhythmogenic right ventricular dysplasia 2. Identifiers: MedGen C1832931.

Allele frequency attached by ClinVar (database versions not stated): TOPMed 0.00001; gnomAD 0.00001; ExAC below 0.00001; gnomAD exomes 0.00001.
gnomAD v4.1: 13 of 1,565,508 alleles (0.00083%); highest among the groups gnomAD compares: African/African-American, 0.0014%; no homozygotes.

Submissions (11):

Ambry Genetics
Classification: Uncertain significance for Cardiovascular phenotype. Last evaluated: 2026-04-02. Review status: criteria provided, single submitter. Criteria: Ambry Variant Classification Scheme 2023. Collection method: clinical testing. Allele origin: germline.
Comment: The p.G1061S variant (also known as c.3181G>A), located in coding exon 27 of the RYR2 gene, results from a G to A substitution at nucleotide position 3181. The glycine at codon 1061 is replaced by serine, an amino acid with similar properties. This amino acid position is highly conserved in available vertebrate species. In addition, the in silico prediction for this alteration is inconclusive. Based on the available evidence, the clinical significance of this variant remains unclear.

Women's Health and Genetics/Laboratory Corporation of America, LabCorp
Classification: Uncertain significance. Last evaluated: 2026-02-02. Review status: criteria provided, single submitter. Criteria: LabCorp Variant Classification Summary - May 2015. Collection method: clinical testing. Allele origin: germline.
Comment: Variant summary: RYR2 c.3181G>A (p.Gly1061Ser) results in a non-conservative amino acid change in the encoded protein sequence. Algorithms developed to predict the effect of missense changes on protein structure and function all suggest that this variant is likely to be disruptive. The variant allele was found at a frequency of 8.3e-06 in 1565508 control chromosomes. This frequency is not significantly higher than estimated for disease-causing variants in RYR2, allowing no conclusion about variant significance. c.3181G>A has been observed in individuals undergoing genetic testing for cardiac-related conditions which include arrhythmias (e.g. van Lint_2020, Coban-Akdemir_2020, Verheul_2023). However, these reports do not provide unequivocal conclusions about association of the variant with Arrhythmia or other RYR2-related conditions. To our knowledge, no experimental evidence demonstrating an impact on protein function has been reported. The following publications have been ascertained in the context of this evaluation (PMID: 32233023, 37967257, 30847666). ClinVar contains an entry for this variant (Variation ID: 296718). Based on the evidence outlined above, the variant was classified as uncertain significance.

Labcorp Genetics (formerly Invitae), Labcorp
Classification: Uncertain significance for Catecholaminergic polymorphic ventricular tachycardia 1. Last evaluated: 2026-01-05. Review status: criteria provided, single submitter. Criteria: Invitae Variant Classification Sherloc (09022015). Collection method: clinical testing. Allele origin: germline.
Comment: This sequence change replaces glycine, which is neutral and non-polar, with serine, which is neutral and polar, at codon 1061 of the RYR2 protein (p.Gly1061Ser). The frequency data for this variant in the population databases is considered unreliable, as metrics indicate poor data quality at this position in the gnomAD database. This variant has not been reported in the literature in individuals affected with RYR2-related conditions. ClinVar contains an entry for this variant (Variation ID: 296718). Invitae Evidence Modeling of protein sequence and biophysical properties (such as structural, functional, and spatial information, amino acid conservation, physicochemical variation, residue mobility, and thermodynamic stability) indicates that this missense variant is expected to disrupt RYR2 protein function with a positive predictive value of 95%. In summary, the available evidence is currently insufficient to determine the role of this variant in disease. Therefore, it has been classified as a Variant of Uncertain Significance.

Color Diagnostics, LLC DBA Color Health
Classification: Uncertain significance for Cardiomyopathy. Last evaluated: 2024-11-13. Review status: criteria provided, single submitter. Criteria: ACMG Guidelines, 2015. Collection method: clinical testing. Allele origin: germline.
Comment: This missense variant replaces glycine with serine at codon 1061 of the RYR2 protein. Computational prediction is inconclusive regarding the impact of this variant on protein structure and function. To our knowledge, functional studies have not been reported for this variant. This variant has not been reported in individuals affected with RYR2-related disorders in the literature. This variant has been identified in 2/173028 chromosomes in the general population by the Genome Aggregation Database (gnomAD). The available evidence is insufficient to determine the role of this variant in disease conclusively. Therefore, this variant is classified as a Variant of Uncertain Significance.

All of Us Research Program, National Institutes of Health
Classification: Uncertain significance for Catecholaminergic polymorphic ventricular tachycardia. Last evaluated: 2024-09-23. Review status: criteria provided, single submitter. Criteria: ACMG Guidelines, 2015. Collection method: clinical testing. Allele origin: germline. Inheritance: Autosomal dominant inheritance. Observed: 3 variant alleles, 3 heterozygotes.
Comment: This missense variant replaces glycine with serine at codon 1061 of the RYR2 protein. Computational prediction is inconclusive regarding the impact of this variant on protein structure and function (internally defined REVEL score threshold 0.5 < inconclusive < 0.7, PMID: 27666373). To our knowledge, functional studies have not been reported for this variant. This variant has not been reported in individuals affected with RYR2-related disorders in the literature. This variant has been identified in 2/173028 chromosomes in the general population by the Genome Aggregation Database (gnomAD). The available evidence is insufficient to determine the role of this variant in disease conclusively. Therefore, this variant is classified as a Variant of Uncertain Significance.

This study involves interpretation of variants in research participants for the purpose of population health screening. Participant phenotype was not available at the time of variant classification. Additional details can be found in publication PMID: 35346344, PMCID: PMC8962531

Illumina Laboratory Services, Illumina
Classification: Uncertain significance for Catecholaminergic polymorphic ventricular tachycardia 1. Last evaluated: 2018-01-12. Review status: criteria provided, single submitter. Criteria: ICSL Variant Classification Criteria 13 December 2019. Collection method: clinical testing. Allele origin: germline.

Illumina Laboratory Services, Illumina
Classification: Uncertain significance for Catecholaminergic polymorphic ventricular tachycardia 1. Last evaluated: 2018-01-12. Review status: criteria provided, single submitter. Criteria: ICSL Variant Classification Criteria 13 December 2019. Collection method: clinical testing. Allele origin: germline.

Lupski Lab, Baylor-Hopkins CMG, Baylor College of Medicine
Classification: Uncertain significance for Wolff-Parkinson-White pattern. Last evaluated: 2017-07-14. Review status: no assertion criteria provided. Collection method: research. Allele origin: inherited. Affected: yes. Observed: 1 variant allele. Study: Candidate_variants_in_patients_with_ Wolff-Parkinson-White Syndrome. Not counted in ClinVar's aggregate classification.

Clinical Genetics DNA and cytogenetics Diagnostics Lab, Erasmus MC, Erasmus Medical Center
Classification: Uncertain significance. Review status: no assertion criteria provided. Collection method: clinical testing. Allele origin: germline. Affected: yes. Study: VKGL Data-share Consensus. Not counted in ClinVar's aggregate classification.

Clinical Genetics, Academic Medical Center
Classification: Uncertain significance. Review status: no assertion criteria provided. Collection method: clinical testing. Allele origin: germline. Affected: yes. Study: VKGL Data-share Consensus. Not counted in ClinVar's aggregate classification.

Diagnostic Laboratory, Department of Genetics, University Medical Center Groningen
Classification: Uncertain significance. Review status: no assertion criteria provided. Collection method: clinical testing. Allele origin: germline. Affected: yes. Study: VKGL Data-share Consensus. Not counted in ClinVar's aggregate classification.

Literature cited by the submitters: PubMed 30847666 (cited by Women's Health and Genetics/Laboratory Corporation of America, LabCorp); PubMed 32233023 (cited by Women's Health and Genetics/Laboratory Corporation of America, LabCorp); PubMed 37967257 (cited by Women's Health and Genetics/Laboratory Corporation of America, LabCorp).

NM_001035.3(RYR2):c.3181G>A (p.Gly1061Ser)

Gene: RYR2 (ryanodine receptor 2; plus strand). Cytogenetic location: 1q43.
Variant type: single nucleotide variant.
Coding change: c.3181G>A on transcript NM_001035.3 (MANE Select); coding-DNA position 3181, G replaced by A.
Protein change: p.Gly1061Ser; replaces glycine 1061 with serine.
Molecular consequence: missense variant.
Genome position (GRCh38, 1-based): chr1:237,550,658, G>A. VCF-style: chr1-237550658-G-A. GRCh37 (hg19) VCF-style: chr1-237713958-G-A.
Other names: c.3181G>A, p.Gly1061Ser (LRG_402t1); short protein forms G1061S.
Identifiers: ClinVar variation 296718 (VCV000296718.20), dbSNP rs747447414, ClinGen allele CA086321.